The following is an entry in ClinVar:

NM_000391.4(TPP1):c.1266+1G>A

Gene: TPP1 (tripeptidyl peptidase 1; minus strand). Cytogenetic location: 11p15.4.
Variant type: single nucleotide variant.
Coding change: c.1266+1G>A on transcript NM_000391.4 (MANE Select); the canonical splice donor site of the intron after coding-DNA position 1266, G replaced by A.
Molecular consequence: splice donor variant.
Genome position (GRCh38, 1-based): chr11:6,615,441, C>T on the plus strand (G>A on the coding strand, the complement: TPP1 is on the minus strand). VCF-style: chr11-6615441-C-T. GRCh37 (hg19) VCF-style: chr11-6636672-C-T.
Identifiers: ClinVar variation 2917090 (VCV002917090.3), dbSNP rs2493796805, ClinGen allele CA379472854.
Genomic context (GRCh38, chr11:6,615,441, plus strand): 5'-CTGAACTGAGGATCCCCCATCCTCACTCTTACCCTGCATCCATCCACACAAACACACGTA[C>T]CTGGTATGAAGGCCGTGGGAACACATTGCTGAAGCCACCACCACTGATATAGTCAACAAT-3'

ClinVar aggregate classification (germline): Likely pathogenic (1 of 4 stars; one submission).

Submission:

Labcorp Genetics (formerly Invitae), Labcorp
Classification: Likely pathogenic. Last evaluated: 2023-05-17. Review status: criteria provided, single submitter. Criteria: Invitae Variant Classification Sherloc (09022015). Collection method: clinical testing. Allele origin: germline.
Comment: In summary, the currently available evidence indicates that the variant is pathogenic, but additional data are needed to prove that conclusively. Therefore, this variant has been classified as Likely Pathogenic. Algorithms developed to predict the effect of sequence changes on RNA splicing suggest that this variant may disrupt the consensus splice site. This variant has not been reported in the literature in individuals affected with TPP1-related conditions. This variant is not present in population databases (gnomAD no frequency). This sequence change affects a donor splice site in intron 10 of the TPP1 gene. It is expected to disrupt RNA splicing. Variants that disrupt the donor or acceptor splice site typically lead to a loss of protein function (PMID: 16199547), and loss-of-function variants in TPP1 are known to be pathogenic (PMID: 10330339).

Literature cited by the submitters: PubMed 16199547; PubMed 10330339.